The following is an entry in ClinVar:

NM_000548.5(TSC2):c.2937C>G (p.Ser979Arg)

Gene: TSC2 (TSC complex subunit 2; plus strand). Cytogenetic location: 16p13.3.
Variant type: single nucleotide variant.
Coding change: c.2937C>G on transcript NM_000548.5 (MANE Select); coding-DNA position 2937, C replaced by G.
Protein change: p.Ser979Arg; replaces serine 979 with arginine.
Molecular consequence: missense variant. On other transcripts: intron variant (31).
Genome position (GRCh38, 1-based): chr16:2,077,697, C>G. VCF-style: chr16-2077697-C-G. GRCh37 (hg19) VCF-style: chr16-2127698-C-G.
Other names: c.2937C>G, p.Ser979Arg (NM_001114382.3, NM_001406663.1, NM_001406664.1); c.2826C>G, p.Ser942Arg (NM_001406670.1); c.2790C>G, p.Ser930Arg (NM_001406675.1, NM_001406676.1); c.2337C>G, p.Ser779Arg (NM_001406680.1, NM_001406682.1, NM_001406683.1 and 1 more transcripts); c.1593C>G, p.Ser531Arg (NM_001406689.1); c.1493+1112C>G (NM_001406693.1, NM_001406690.1, NM_001406692.1 and 5 more transcripts); c.2927+1112C>G (NM_001406667.1, NM_001406668.1); c.2237+1112C>G (NM_001406687.1, NM_001406685.1, NM_001318831.2 and 2 more transcripts); and 8 more; short protein forms S531R, S779R, S979R, S942R, S930R.
Identifiers: ClinVar variation 5031349 (VCV005031349.1).

ClinVar aggregate classification (germline): Uncertain significance (1 of 4 stars; one submission).

Conditions:
Hereditary cancer-predisposing syndrome. Also called: Neoplastic Syndromes, Hereditary; Tumor predisposition; Hereditary neoplastic syndrome; Hereditary Cancer Syndrome. Identifiers: Orphanet 140162, MedGen C0027672, MeSH D009386, MONDO:0015356.

Submission:

Ambry Genetics
Classification: Uncertain significance for Hereditary cancer-predisposing syndrome. Last evaluated: 2026-07-07. Review status: criteria provided, single submitter. Criteria: Ambry Variant Classification Scheme 2023. Collection method: clinical testing. Allele origin: germline.
Comment: The p.S979R variant (also known as c.2937C>G), located in coding exon 25 of the TSC2 gene, results from a C to G substitution at nucleotide position 2937. The serine at codon 979 is replaced by arginine, an amino acid with dissimilar properties. This amino acid position is conserved. In addition, this alteration is predicted to be deleterious by in silico analysis. Based on the available evidence, the clinical significance of this variant remains unclear.